The following is an entry in ClinVar:

ClinVar aggregate classification (germline): Uncertain significance. Review status: criteria provided, multiple submitters, no conflicts (2 of 4 stars). 4 submissions from 4 submitters: Uncertain significance (4). Last evaluated 2024-08-28.

Conditions:
Tuberous sclerosis syndrome (TSC). Also called: Tuberous Sclerosis Complex; Tuberous sclerosis. Identifiers: Orphanet 805, MedGen C0041341, MONDO:0001734.
Tuberous sclerosis 1 (TSC1). Identifiers: Orphanet 805, MedGen C1854465, MONDO:0008612, OMIM 191100.
Hereditary cancer-predisposing syndrome. Also called: Hereditary Cancer Syndrome; Neoplastic Syndromes, Hereditary; Hereditary neoplastic syndrome; Tumor predisposition. Identifiers: Orphanet 140162, MedGen C0027672, MeSH D009386, MONDO:0015356.

Submissions (4):

Labcorp Genetics (formerly Invitae), Labcorp
Classification: Uncertain significance for Tuberous sclerosis 1. Last evaluated: 2024-08-28. Review status: criteria provided, single submitter. Criteria: Invitae Variant Classification Sherloc (09022015). Collection method: clinical testing. Allele origin: germline.
Comment: This sequence change replaces leucine, which is neutral and non-polar, with histidine, which is basic and polar, at codon 978 of the TSC1 protein (p.Leu978His). This variant is not present in population databases (gnomAD no frequency). This variant has not been reported in the literature in individuals affected with TSC1-related conditions. ClinVar contains an entry for this variant (Variation ID: 822306). Invitae Evidence Modeling of protein sequence and biophysical properties (such as structural, functional, and spatial information, amino acid conservation, physicochemical variation, residue mobility, and thermodynamic stability) indicates that this missense variant is not expected to disrupt TSC1 protein function with a negative predictive value of 95%. In summary, the available evidence is currently insufficient to determine the role of this variant in disease. Therefore, it has been classified as a Variant of Uncertain Significance.

All of Us Research Program, National Institutes of Health
Classification: Uncertain significance for Tuberous sclerosis syndrome. Last evaluated: 2024-03-24. Review status: criteria provided, single submitter. Criteria: ACMG Guidelines, 2015. Collection method: clinical testing. Allele origin: germline. Inheritance: Autosomal dominant inheritance. Observed: 1 variant allele, 1 heterozygote.
Comment: This missense variant replaces leucine with histidine at codon 978 of the TSC1 protein. Computational prediction suggests that this variant may not impact protein structure and function (internally defined REVEL score threshold <= 0.5, PMID: 27666373). To our knowledge, functional studies have not been reported for this variant. This variant has not been reported in individuals affected with TSC1-related disorders in the literature. This variant has not been identified in the general population by the Genome Aggregation Database (gnomAD). The available evidence is insufficient to determine the role of this variant in disease conclusively. Therefore, this variant is classified as a Variant of Uncertain Significance.

This study involves interpretation of variants in research participants for the purpose of population health screening. Participant phenotype was not available at the time of variant classification. Additional details can be found in publication PMID: 35346344, PMCID: PMC8962531

Genome-Nilou Lab
Classification: Uncertain significance for Tuberous sclerosis 1. Last evaluated: 2021-11-07. Review status: criteria provided, single submitter. Criteria: ACMG Guidelines, 2015. Collection method: clinical testing. Allele origin: germline. Affected: no.

Ambry Genetics
Classification: Uncertain significance for Hereditary cancer-predisposing syndrome. Last evaluated: 2019-12-11. Review status: criteria provided, single submitter. Criteria: Ambry Variant Classification Scheme 2023. Collection method: clinical testing. Allele origin: germline.
Comment: The p.L978H variant (also known as c.2933T>A), located in coding exon 20 of the TSC1 gene, results from a T to A substitution at nucleotide position 2933. The leucine at codon 978 is replaced by histidine, an amino acid with similar properties. This amino acid position is well conserved in available vertebrate species. In addition, the in silico prediction for this alteration is inconclusive. Since supporting evidence is limited at this time, the clinical significance of this alteration remains unclear.

NM_000368.5(TSC1):c.2933T>A (p.Leu978His)

Gene: TSC1 (TSC complex subunit 1; minus strand). Cytogenetic location: 9q34.13.
Variant type: single nucleotide variant.
Coding change: c.2933T>A on transcript NM_000368.5 (MANE Select); coding-DNA position 2933, T replaced by A.
Protein change: p.Leu978His; replaces leucine 978 with histidine.
Molecular consequence: missense variant.
Genome position (GRCh38, 1-based): chr9:132,897,226, A>T on the plus strand (T>A on the coding strand, the complement: TSC1 is on the minus strand). VCF-style: chr9-132897226-A-T. GRCh37 (hg19) VCF-style: chr9-135772613-A-T.
Other names: c.2930T>A, p.Leu977His (NM_001162426.2); c.2780T>A, p.Leu927His (NM_001162427.2); c.2570T>A, p.Leu857His (NM_001362177.2); short protein forms L857H, L977H, L927H, L978H.
Identifiers: ClinVar variation 822306 (VCV000822306.16), dbSNP rs770834438, ClinGen allele CA375368433.